The following is an entry in ClinVar:

ClinVar aggregate classification (germline): Conflicting classifications of pathogenicity. Review status: criteria provided, conflicting classifications (1 of 4 stars). 13 submissions from 13 submitters: Uncertain significance (2); Benign (2); Likely benign (8). 1 of the submissions does not count toward it. Last evaluated 2026-01-26.

Conditions:
STK11-related disorder. Also called: STK11-related condition.
Hereditary cancer-predisposing syndrome. Also called: Tumor predisposition; Hereditary Cancer Syndrome; Hereditary neoplastic syndrome; Neoplastic Syndromes, Hereditary. Identifiers: Orphanet 140162, MedGen C0027672, MeSH D009386, MONDO:0015356.
Peutz-Jeghers syndrome (PJS). Also called: POLYPOSIS, HAMARTOMATOUS INTESTINAL; POLYPS-AND-SPOTS SYNDROME; Peutz-Jeghers polyposis; Periorificial lentiginosis syndrome. Identifiers: Orphanet 2869, MedGen C0031269, MeSH D010580, MONDO:0008280, OMIM 175200.

Allele frequency attached by ClinVar (database versions not stated): gnomAD 0.00001; TOPMed 0.00003.

Submissions (13):

Labcorp Genetics (formerly Invitae), Labcorp
Classification: Likely benign for Peutz-Jeghers syndrome. Last evaluated: 2026-01-26. Review status: criteria provided, single submitter. Criteria: Invitae Variant Classification Sherloc (09022015). Collection method: clinical testing. Allele origin: germline.

Women's Health and Genetics/Laboratory Corporation of America, LabCorp
Classification: Likely benign. Last evaluated: 2025-07-11. Review status: criteria provided, single submitter. Criteria: LabCorp Variant Classification Summary - May 2015. Collection method: clinical testing. Allele origin: germline.

Myriad Genetics, Inc.
Classification: Benign for Peutz-Jeghers syndrome. Last evaluated: 2025-03-26. Review status: criteria provided, single submitter. Criteria: Myriad Autosomal Dominant, Autosomal Recessive and X-Linked Classification Criteria (2023). Collection method: clinical testing. Allele origin: unknown.
Comment: This variant is considered benign. This variant is a silent/synonymous amino acid change and it is not expected to impact splicing.

Department of Pathology and Laboratory Medicine, Sinai Health System
Classification: Likely benign for Peutz-Jeghers syndrome. Last evaluated: 2024-11-22. Review status: criteria provided, single submitter. Criteria: ACMG Guidelines, 2015. Collection method: clinical testing. Allele origin: germline. Affected: yes.

All of Us Research Program, National Institutes of Health
Classification: Likely benign for Peutz-Jeghers syndrome. Last evaluated: 2023-12-13. Review status: criteria provided, single submitter. Criteria: ACMG Guidelines, 2015. Collection method: clinical testing. Allele origin: germline. Inheritance: Autosomal dominant inheritance. Observed: 6 variant alleles, 6 heterozygotes.
Comment: This study involves interpretation of variants in research participants for the purpose of population health screening. Participant phenotype was not available at the time of variant classification. Additional details can be found in publication PMID: 35346344, PMCID: PMC8962531

Blueprint Genetics
Classification: Likely benign. Last evaluated: 2023-11-14. Review status: criteria provided, single submitter. Criteria: ACMG Guidelines, 2015. Collection method: clinical testing. Allele origin: germline.

Sema4
Classification: Likely benign for Hereditary cancer-predisposing syndrome. Last evaluated: 2021-10-29. Review status: criteria provided, single submitter. Criteria: Sema4 Curation Guidelines. Collection method: curation. Allele origin: germline.

Genome-Nilou Lab
Classification: Uncertain significance for Peutz-Jeghers syndrome. Last evaluated: 2021-07-15. Review status: criteria provided, single submitter. Criteria: ACMG Guidelines, 2015. Collection method: clinical testing. Allele origin: germline. Affected: no.

Color Diagnostics, LLC DBA Color Health
Classification: Likely benign for Hereditary cancer-predisposing syndrome. Last evaluated: 2016-04-22. Review status: criteria provided, single submitter. Criteria: ACMG Guidelines, 2015. Collection method: clinical testing. Allele origin: germline.

Eurofins Ntd Llc (ga)
Classification: Uncertain significance. Last evaluated: 2015-09-04. Review status: criteria provided, single submitter. Criteria: EGL Classification Definitions 2015. Collection method: clinical testing. Allele origin: germline. Observed: 1 variant allele, 1 heterozygote.

Ambry Genetics
Classification: Likely benign for Hereditary cancer-predisposing syndrome. Last evaluated: 2015-01-12. Review status: criteria provided, single submitter. Criteria: Ambry Variant Classification Scheme 2023. Collection method: clinical testing. Allele origin: germline.

GeneDx
Classification: Benign. Last evaluated: 2014-08-29. Review status: criteria provided, single submitter. Criteria: GeneDx Variant Classification (06012015). Collection method: clinical testing. Allele origin: germline. Affected: yes.
Comment: This variant is considered likely benign or benign based on one or more of the following criteria: it is a conservative change, it occurs at a poorly conserved position in the protein, it is predicted to be benign by multiple in silico algorithms, and/or has population frequency not consistent with disease.

PreventionGenetics, part of Exact Sciences
Classification: Likely benign for STK11-related condition. Last evaluated: 2019-11-01. Review status: no assertion criteria provided. Collection method: clinical testing. Allele origin: germline. Not counted in ClinVar's aggregate classification.
Comment: This variant is classified as likely benign based on ACMG/AMP sequence variant interpretation guidelines (Richards et al. 2015 PMID: 25741868, with internal and published modifications).

NM_000455.5(STK11):c.579C>T (p.Ser193=)

Gene: STK11 (serine/threonine kinase 11; plus strand). Cytogenetic location: 19p13.3.
Variant type: single nucleotide variant.
Coding change: c.579C>T on transcript NM_000455.5 (MANE Select); coding-DNA position 579, C replaced by T.
Protein change: p.Ser193=; no amino-acid change (serine 193 retained).
Molecular consequence: synonymous variant.
Genome position (GRCh38, 1-based): chr19:1,220,487, C>T. VCF-style: chr19-1220487-C-T. GRCh37 (hg19) VCF-style: chr19-1220486-C-T.
Other names: p.S193S:TCC>TCT.
Identifiers: ClinVar variation 182880 (VCV000182880.32), dbSNP rs730881961, ClinGen allele CA023087.
Genomic context (GRCh38, chr19:1,220,487, plus strand): 5'-GCACAAGGACATCAAGCCGGGGAACCTGCTGCTCACCACCGGTGGCACCCTCAAAATCTC[C>T]GACCTGGGCGTGGCCGAGGTAGGCACGTGCTAGGGGGGGCCCTGGGGCGCCCCCTCCCGG-3'
Protein context (NP_000446.1, residues 183-203): LLTTGGTLKI[Ser193=]DLGVAEALHP